The following is an entry in ClinVar:

NM_001868.4(CPA1):c.692G>A (p.Ser231Asn)

Gene: CPA1 (carboxypeptidase A1; plus strand). Cytogenetic location: 7q32.2.
Variant type: single nucleotide variant.
Coding change: c.692G>A on transcript NM_001868.4 (MANE Select); coding-DNA position 692, G replaced by A.
Protein change: p.Ser231Asn; replaces serine 231 with asparagine.
Molecular consequence: missense variant.
Genome position (GRCh38, 1-based): chr7:130,383,790, G>A. VCF-style: chr7-130383790-G-A. GRCh37 (hg19) VCF-style: chr7-130023631-G-A.
Other names: short protein forms S231N.
Identifiers: ClinVar variation 1692650 (VCV001692650.7), dbSNP rs782577921, ClinGen allele CA4484890.

ClinVar aggregate classification (germline): Uncertain significance. Review status: criteria provided, multiple submitters, no conflicts (2 of 4 stars). 3 submissions from 3 submitters: Uncertain significance (3). Last evaluated 2025-04-19.

Conditions:
Hereditary pancreatitis (PCTT). Also called: Hereditary chronic pancreatitis; PRSS1-Related Hereditary Pancreatitis. Identifiers: Orphanet 676, MedGen C0238339, MONDO:0008185, OMIM 167800.

Allele frequency attached by ClinVar (database versions not stated): ExAC 0.00001; gnomAD exomes 0.00001; TOPMed 0.00001.

Submissions (3):

Ambry Genetics
Classification: Uncertain significance for Hereditary pancreatitis. Last evaluated: 2025-04-19. Review status: criteria provided, single submitter. Criteria: Ambry Variant Classification Scheme 2023. Collection method: clinical testing. Allele origin: germline.
Comment: The p.S231N variant (also known as c.692G>A), located in coding exon 6 of the CPA1 gene, results from a G to A substitution at nucleotide position 692. The serine at codon 231 is replaced by asparagine, an amino acid with highly similar properties. This amino acid position is not well conserved in available vertebrate species. In addition, this alteration is predicted to be tolerated by in silico analysis. Since supporting evidence is limited at this time, the clinical significance of this alteration remains unclear.

Labcorp Genetics (formerly Invitae), Labcorp
Classification: Uncertain significance. Last evaluated: 2024-08-01. Review status: criteria provided, single submitter. Criteria: Invitae Variant Classification Sherloc (09022015). Collection method: clinical testing. Allele origin: germline.
Comment: This sequence change replaces serine, which is neutral and polar, with asparagine, which is neutral and polar, at codon 231 of the CPA1 protein (p.Ser231Asn). This variant is present in population databases (rs782577921, gnomAD 0.002%). This variant has not been reported in the literature in individuals affected with CPA1-related conditions. ClinVar contains an entry for this variant (Variation ID: 1692650). Advanced modeling of protein sequence and biophysical properties (such as structural, functional, and spatial information, amino acid conservation, physicochemical variation, residue mobility, and thermodynamic stability) performed at Invitae indicates that this missense variant is not expected to disrupt CPA1 protein function with a negative predictive value of 80%. In summary, the available evidence is currently insufficient to determine the role of this variant in disease. Therefore, it has been classified as a Variant of Uncertain Significance.

Sema4
Classification: Uncertain significance for Hereditary pancreatitis. Last evaluated: 2021-06-03. Review status: criteria provided, single submitter. Criteria: Sema4 Curation Guidelines. Collection method: curation. Allele origin: germline.
Comment: The CPA1 c.692G>A (p.S231N) variant has not been reported in the literature to our knowledge. It was observed in 2/113754 chromosomes of the Non-Finnish European subpopulation in the large and broad cohorts of the Genome Aggregation Database (PMID: 32461654). The variant has not been reported in ClinVar. In silico tools suggest the impact of the variant on protein function is benign, though these predictions have not been confirmed by functional studies. The evidence is insufficient to meet ACMG/AMP criteria for classifying the variant as benign or pathogenic. Thus, the clinical significance of this variant is currently uncertain.